The following is an entry in ClinVar:

ClinVar aggregate classification (germline): Uncertain significance (1 of 4 stars; one submission).

Submission:

Labcorp Genetics (formerly Invitae), Labcorp
Classification: Uncertain significance. Last evaluated: 2022-01-12. Review status: criteria provided, single submitter. Criteria: Invitae Variant Classification Sherloc (09022015). Collection method: clinical testing. Allele origin: germline.
Comment: In summary, the available evidence is currently insufficient to determine the role of this variant in disease. Therefore, it has been classified as a Variant of Uncertain Significance. This variant has not been reported in the literature in individuals affected with COL9A2-related conditions. This sequence change is a complex rearrangement involving exons 20-32 of the COL9A2 gene. It does not change the copy number of any exons. Although the exact nature of the event is unknown, it is likely that these exons are translocated elsewhere in the genome. The effect on the surrounding sequence is also uncertain.

NC_000001.10:g.(?_40766130)_(40771829_?)del

Gene: COL9A2 (collagen type IX alpha 2 chain; minus strand). Cytogenetic location: 1p34.2.
Variant type: Deletion.
Identifiers: ClinVar variation 2424266 (VCV002424266.4).